The following is an entry in ClinVar:

NM_138615.3(DHX30):c.1913G>A (p.Arg638Gln)

Gene: DHX30 (DExH-box helicase 30; plus strand). Cytogenetic location: 3p21.31.
Variant type: single nucleotide variant.
Coding change: c.1913G>A on transcript NM_138615.3 (MANE Select); coding-DNA position 1913, G replaced by A.
Protein change: p.Arg638Gln; replaces arginine 638 with glutamine.
Molecular consequence: missense variant.
Genome position (GRCh38, 1-based): chr3:47,846,985, G>A. VCF-style: chr3-47846985-G-A. GRCh37 (hg19) VCF-style: chr3-47888475-G-A.
Other names: c.1829G>A, p.Arg610Gln (NM_001330990.2); c.1796G>A, p.Arg599Gln (NM_014966.4); short protein forms R599Q, R610Q, R638Q.
Identifiers: ClinVar variation 4279750 (VCV004279750.1).

ClinVar aggregate classification (germline): Uncertain significance (1 of 4 stars; one submission).

Conditions:
Neurodevelopmental disorder with severe motor impairment and absent language. Also called: NEURODEVELOPMENTAL DISORDER WITH VARIABLE MOTOR AND LANGUAGE IMPAIRMENT. Identifiers: Orphanet 647788, MedGen C4540496, MONDO:0060622, OMIM 617804.

Submission:

Clinical Genomics Laboratory, Washington University in St. Louis
Classification: Uncertain significance for Neurodevelopmental disorder with severe motor impairment and absent language. Last evaluated: 2025-04-16. Review status: criteria provided, single submitter. Criteria: ACMG Guidelines, 2015. Collection method: clinical testing. Allele origin: germline.
Comment: The DHX30 c.1913G>A (p.Arg638Gln) variant, to our knowledge, has not been reported in the medical literature. This variant is absent from the general population (gnomAD v.2.1.1), indicating that it is not a common variant. Computational predictors suggest that the variant does not impact DHX30 function. This variant is not located in the highly conserved residues within the helicase core motifs (HCM), which are defined as a critical functional domain (Mannucci I et al., PMID: 34020708). Due to limited information and based on ACMG/AMP guidelines for variant interpretation (Richards S et al., PMID: 25741868), the clinical significance of this variant is uncertain at this time.